The following is an entry in ClinVar:

ClinVar aggregate classification (germline): Benign. Review status: criteria provided, multiple submitters, no conflicts (2 of 4 stars). 5 submissions from 5 submitters: Benign (4). 1 of the submissions does not count toward it. Last evaluated 2026-02-04.

Conditions:
Xeroderma pigmentosum, group G (XPG). Also called: XERODERMA PIGMENTOSUM VII; XP, GROUP G; Xeroderma pigmentosum type 7; ERCC5-Related Xeroderma Pigmentosum. Identifiers: MedGen C0268141, MONDO:0010216, OMIM 278780.

Allele frequency attached by ClinVar (database versions not stated): ESP Exome Variant Server 0.99746; 1000 Genomes Project 30x 0.99766; TOPMed 0.99778; 1000 Genomes Project 0.99820; gnomAD 0.99822; gnomAD exomes 0.99981.
gnomAD v4.1: 1,613,600 of 1,614,206 alleles (100%); highest among the groups gnomAD compares: South Asian, 100%; 806,498 homozygotes.

Submissions (5):

Labcorp Genetics (formerly Invitae), Labcorp
Classification: Benign. Last evaluated: 2026-02-04. Review status: criteria provided, single submitter. Criteria: Invitae Variant Classification Sherloc (09022015). Collection method: clinical testing. Allele origin: germline.

Blueprint Genetics
Classification: Benign. Last evaluated: 2024-11-27. Review status: criteria provided, single submitter. Criteria: ACMG Guidelines, 2015. Collection method: clinical testing. Allele origin: germline.

Mendelics
Classification: Benign for Xeroderma pigmentosum, group G. Last evaluated: 2019-05-28. Review status: criteria provided, single submitter. Criteria: Mendelics Assertion Criteria 2017. Collection method: clinical testing. Allele origin: unknown.

Breakthrough Genomics
Classification: Benign. Review status: criteria provided, single submitter. Criteria: ACMG Guidelines, 2015. Collection method: not provided. Allele origin: germline. Inheritance: Autosomal recessive inheritance. Affected: yes.

ITMI
No classification provided. Condition: AllHighlyPenetrant. Last evaluated: 2013-09-19. Review status: no classification provided. Collection method: reference population. Allele origin: germline. Not counted in ClinVar's aggregate classification.
Comment: Please see associated publication for description of ethnicities

Literature cited by the submitters: PubMed 24728327 (cited by ITMI).

NM_000123.4(ERCC5):c.3157G>C (p.Gly1053Arg)

Genes: BIVM-ERCC5 (BIVM-ERCC5 readthrough; plus strand), ERCC5 (ERCC excision repair 5, endonuclease; plus strand). Cytogenetic location: 13q33.1.
Variant type: single nucleotide variant.
Coding change: c.3157G>C on transcript NM_000123.4 (MANE Select); coding-DNA position 3157, G replaced by C.
Protein change: p.Gly1053Arg; replaces glycine 1053 with arginine.
Molecular consequence: missense variant.
Genome position (GRCh38, 1-based): chr13:102,875,499, G>C. VCF-style: chr13-102875499-G-C. GRCh37 (hg19) VCF-style: chr13-103527849-G-C.
Other names: c.4519G>C, p.Gly1507Arg (NM_001204425.2); short protein forms G1053R, G1507R.
Identifiers: ClinVar variation 134172 (VCV000134172.12), dbSNP rs9514066, ClinGen allele CA158990.